The following is an entry in ClinVar:

NM_003258.5(TK1):c.596G>T (p.Gly199Val)

Gene: TK1 (thymidine kinase 1; minus strand). Cytogenetic location: 17q25.3.
Variant type: single nucleotide variant.
Coding change: c.596G>T on transcript NM_003258.5 (MANE Select); coding-DNA position 596, G replaced by T.
Protein change: p.Gly199Val; replaces glycine 199 with valine.
Molecular consequence: missense variant. On other transcripts: intron variant (1).
Genome position (GRCh38, 1-based): chr17:78,174,868, C>A on the plus strand (G>T on the coding strand, the complement: TK1 is on the minus strand). VCF-style: chr17-78174868-C-A. GRCh37 (hg19) VCF-style: chr17-76170949-C-A.
Other names: c.695G>T, p.Gly232Val (NM_001363848.1); c.514-80G>T (NM_001346663.2); short protein forms G199V, G232V.
Identifiers: ClinVar variation 91947 (VCV000091947.2), dbSNP rs386352371, ClinGen allele CA232219.
Genomic context (GRCh38, chr17:78,174,868, plus strand): 5'-CTGGCAGCCACGGCTTCCCCTGGCTTTCCTGGCACTGGGCAGTTCTCTTTGTTGTCCGGC[C>A]CGGCAGGCTGGCCTGAGGCCTTCTTGAAGTAGCAGAGCCGACACACGGAGTGGTACTTGT-3'
Protein context (NP_003249.3, residues 189-209): YFKKASGQPA[Gly199Val]PDNKENCPVP

ClinVar aggregate classification (germline): Uncertain significance (0 of 4 stars; one submission).

Allele frequency attached by ClinVar (database versions not stated): ExAC 0.00002.

Submission:

Richard Lifton Laboratory, Yale University School of Medicine
Classification: Uncertain significance. Review status: no assertion criteria provided. Collection method: not provided. Allele origin: somatic.
Comment: TK1
ClinVar note: Converted during submission from unknown to Uncertain significance.